The following is an entry in ClinVar:

ClinVar aggregate classification (germline): Uncertain significance (1 of 4 stars; one submission).

Conditions:
Ataxia-telangiectasia syndrome (AT). Also called: Ataxia-telangiectasia, complementation group D; AT, COMPLEMENTATION GROUP C; ATAXIA-TELANGIECTASIA, COMPLEMENTATION GROUP A; ATAXIA-TELANGIECTASIA, FRESNO VARIANT; Ataxia-telangiectasia; LOUIS-BAR SYNDROME. Identifiers: Orphanet 100, MedGen C0004135, MONDO:0008840, OMIM 208900.

Submission:

Labcorp Genetics (formerly Invitae), Labcorp
Classification: Uncertain significance for Ataxia-telangiectasia syndrome. Last evaluated: 2018-11-21. Review status: criteria provided, single submitter. Criteria: Invitae Variant Classification Sherloc (09022015). Collection method: clinical testing. Allele origin: germline.
Comment: In summary, the available evidence is currently insufficient to determine the role of this variant in disease. Therefore, it has been classified as a Variant of Uncertain Significance. Algorithms developed to predict the effect of missense changes on protein structure and function (SIFT, PolyPhen-2, Align-GVGD) all suggest that this variant is likely to be disruptive, but these predictions have not been confirmed by published functional studies and their clinical significance is uncertain. This variant has not been reported in the literature in individuals with ATM-related disease. This variant is not present in population databases (ExAC no frequency). This sequence change replaces glutamic acid with alanine at codon 2272 of the ATM protein (p.Glu2272Ala). The glutamic acid residue is highly conserved and there is a moderate physicochemical difference between glutamic acid and alanine.

NM_000051.4(ATM):c.6815A>C (p.Glu2272Ala)

Genes: ATM (ATM serine/threonine kinase; plus strand), C11orf65 (chromosome 11 open reading frame 65; minus strand). Cytogenetic location: 11q22.3.
Variant type: single nucleotide variant.
Coding change: c.6815A>C on transcript NM_000051.4 (MANE Select); coding-DNA position 6815, A replaced by C.
Protein change: p.Glu2272Ala; replaces glutamic acid 2272 with alanine.
Molecular consequence: missense variant. On other transcripts: intron variant (2).
Genome position (GRCh38, 1-based): chr11:108,326,065, A>C. VCF-style: chr11-108326065-A-C. GRCh37 (hg19) VCF-style: chr11-108196792-A-C.
Other names: c.6815A>C, p.Glu2272Ala (NM_001351834.2); c.641-16994T>G (NM_001330368.2); c.*38+9155T>G (NM_001351110.2); short protein forms E2272A.
Identifiers: ClinVar variation 650578 (VCV000650578.9), dbSNP rs1565520129, ClinGen allele CA382556456.